The following is an entry in ClinVar:

ClinVar aggregate classification (germline): Likely pathogenic (1 of 4 stars; one submission).

Submission:

GeneDx
Classification: Likely pathogenic. Last evaluated: 2015-07-13. Review status: criteria provided, single submitter. Criteria: GeneDx Variant Classification (06012015). Collection method: clinical testing. Allele origin: germline. Affected: yes.
Comment: The H430Y variant in the IDH2 gene has not been published as a pathogenic variant, nor has it been reported as a benign polymorphism to our knowledge. The H430Y variant was not observed in approximately 6500 individuals of European and African American ancestry in the NHLBI Exome Sequencing Project, indicating it is not a common benign variant in these populations. The H430Y variant is a non-conservative amino acid substitution, which occurs at a position that is conserved across species. In silico analysis is inconsistent in its predictions as to whether or not the variant is damaging to the protein structure/function. The H430Y variant is a strong candidate for a disease-causing varian, however, the possibility it may be a rare benign variant cannot be excluded.

NM_002168.4(IDH2):c.1288C>T (p.His430Tyr)

Gene: IDH2 (isocitrate dehydrogenase (NADP(+)) 2; minus strand). Cytogenetic location: 15q26.1.
Variant type: single nucleotide variant.
Coding change: c.1288C>T on transcript NM_002168.4 (MANE Select); coding-DNA position 1288, C replaced by T.
Protein change: p.His430Tyr; replaces histidine 430 with tyrosine.
Molecular consequence: missense variant.
Genome position (GRCh38, 1-based): chr15:90,084,337, G>A on the plus strand (C>T on the coding strand, the complement: IDH2 is on the minus strand). VCF-style: chr15-90084337-G-A. GRCh37 (hg19) VCF-style: chr15-90627569-G-A.
Other names: c.1132C>T, p.His378Tyr (NM_001289910.1); c.898C>T, p.His300Tyr (NM_001290114.2); short protein forms H378Y, H430Y, H300Y.
Identifiers: ClinVar variation 427064 (VCV000427064.2), dbSNP rs1085307936, ClinGen allele CA393817921.